The following is an entry in ClinVar:

ClinVar aggregate classification (germline): Likely benign (1 of 4 stars; one submission).

Submission:

CeGaT Center for Human Genetics Tuebingen
Classification: Likely benign. Last evaluated: 2026-06-01. Review status: criteria provided, single submitter. Criteria: CeGaT Center For Human Genetics Tuebingen Variant Classification Criteria Version 2. Collection method: clinical testing. Allele origin: germline. Affected: yes. Observed: 2 variant alleles.
Comment: CHRNA7: BP4, BP7

NM_000746.6(CHRNA7):c.1272G>A (p.Gly424=)

Gene: CHRNA7 (cholinergic receptor nicotinic alpha 7 subunit). Cytogenetic location: 15q13.3.
Variant type: single nucleotide variant.
Coding change: c.1272G>A on transcript NM_000746.6 (MANE Select); coding-DNA position 1272, G replaced by A.
Protein change: p.Gly424=; no amino-acid change (glycine 424 retained).
Molecular consequence: synonymous variant. On other transcripts: non-coding transcript variant (1).
Genome position (GRCh38, 1-based): chr15:32,168,221, G>A. VCF-style: chr15-32168221-G-A. GRCh37 (hg19) VCF-style: chr15-32460422-G-A.
Other names: c.1359G>A, p.Gly453= (NM_001190455.3).
Identifiers: ClinVar variation 4822682 (VCV004822682.4).